The following is an entry in ClinVar:

NM_001370259.2(MEN1):c.156C>T (p.Arg52=)

Gene: MEN1 (menin 1; minus strand). Cytogenetic location: 11q13.1.
Variant type: single nucleotide variant.
Coding change: c.156C>T on transcript NM_001370259.2 (MANE Select); coding-DNA position 156, C replaced by T.
Protein change: p.Arg52=; no amino-acid change (arginine 52 retained).
Molecular consequence: synonymous variant.
Genome position (GRCh38, 1-based): chr11:64,809,954, G>A on the plus strand (C>T on the coding strand, the complement: MEN1 is on the minus strand). VCF-style: chr11-64809954-G-A. GRCh37 (hg19) VCF-style: chr11-64577426-G-A.
Other names: c.156C>T (NM_130799.2); c.156C>T, p.Arg52= (NM_130802.3, NM_130803.3, NM_130804.3 and 9 more transcripts).
Identifiers: ClinVar variation 1104718 (VCV001104718.12), dbSNP rs1592659960, ClinGen allele CA475163925.

ClinVar aggregate classification (germline): Benign/Likely benign. Review status: criteria provided, multiple submitters, no conflicts (2 of 4 stars). 4 submissions from 4 submitters: Benign (1); Likely benign (3). Last evaluated 2024-10-31.

Conditions:
Hereditary cancer-predisposing syndrome. Also called: Neoplastic Syndromes, Hereditary; Hereditary neoplastic syndrome; Hereditary Cancer Syndrome; Tumor predisposition. Identifiers: Orphanet 140162, MedGen C0027672, MeSH D009386, MONDO:0015356.
Multiple endocrine neoplasia, type 1 (MEN1). Also called: MEA I; MEN I; WERMER SYNDROME; Endocrine adenomatosis multiple; MEN 1. Identifiers: Orphanet 652, MedGen C0025267, MeSH D018761, MONDO:0007540, OMIM 131100.

Submissions (4):

Myriad Genetics, Inc.
Classification: Benign for Multiple endocrine neoplasia, type 1. Last evaluated: 2024-10-31. Review status: criteria provided, single submitter. Criteria: Myriad Autosomal Dominant, Autosomal Recessive and X-Linked Classification Criteria (2023). Collection method: clinical testing. Allele origin: unknown.
Comment: This variant is considered benign. This variant is a silent/synonymous amino acid change and it is not expected to impact splicing.

Ambry Genetics
Classification: Likely benign for Hereditary cancer-predisposing syndrome. Last evaluated: 2024-06-24. Review status: criteria provided, single submitter. Criteria: Ambry Variant Classification Scheme 2023. Collection method: clinical testing. Allele origin: germline.

All of Us Research Program, National Institutes of Health
Classification: Likely benign for Multiple endocrine neoplasia, type 1. Last evaluated: 2024-04-16. Review status: criteria provided, single submitter. Criteria: ACMG Guidelines, 2015. Collection method: clinical testing. Allele origin: germline. Inheritance: Autosomal dominant inheritance. Observed: 1 variant allele, 1 heterozygote.
Comment: This study involves interpretation of variants in research participants for the purpose of population health screening. Participant phenotype was not available at the time of variant classification. Additional details can be found in publication PMID: 35346344, PMCID: PMC8962531

Labcorp Genetics (formerly Invitae), Labcorp
Classification: Likely benign for Multiple endocrine neoplasia, type 1. Last evaluated: 2023-12-12. Review status: criteria provided, single submitter. Criteria: Invitae Variant Classification Sherloc (09022015). Collection method: clinical testing. Allele origin: germline.